The following is an entry in ClinVar:

NM_001277115.2(DNAH11):c.3356G>A (p.Ser1119Asn)

Genes: DNAH11 (dynein axonemal heavy chain 11; plus strand), LOC126859961 (BRD4-independent group 4 enhancer GRCh37_chr7:21639662-21640861; plus strand). Cytogenetic location: 7p15.3.
Variant type: single nucleotide variant.
Coding change: c.3356G>A on transcript NM_001277115.2 (MANE Select); coding-DNA position 3356, G replaced by A.
Protein change: p.Ser1119Asn; replaces serine 1119 with asparagine.
Molecular consequence: missense variant.
Genome position (GRCh38, 1-based): chr7:21,601,110, G>A. VCF-style: chr7-21601110-G-A. GRCh37 (hg19) VCF-style: chr7-21640728-G-A.
Other names: p.Ser1119Asn; c.3356G>A (NM_003777.3); short protein forms S1119N.
Identifiers: ClinVar variation 575674 (VCV000575674.31), dbSNP rs754921505, ClinGen allele CA4179601.
Genomic context (GRCh38, chr7:21,601,110, plus strand): 5'-TTGAGGACTTTAGAGTGTTTGATAGTTGGTTCAAGGTGGACATGAAGCCTTTCAAAGTGA[G>A]CTTGTTAACCATAATTAAGAAATGGAGCTGGATGTTTCAGGAGCATCTTTTGAGATTTGT-3'
Protein context (NP_001264044.1, residues 1109-1129): FKVDMKPFKV[Ser1119Asn]LLTIIKKWSW

ClinVar aggregate classification (germline): Conflicting classifications of pathogenicity. Review status: criteria provided, conflicting classifications (1 of 4 stars). 8 submissions from 8 submitters: Uncertain significance (6); Likely benign (2). Last evaluated 2026-01-12.

Conditions:
Primary ciliary dyskinesia. Also called: Ciliary dyskinesia. Identifiers: Orphanet 244, MedGen C0008780, MONDO:0016575, HP:0012265.
DNAH11-related disorder. Also called: DNAH11-related condition.
Primary ciliary dyskinesia 7. Also called: CILIARY DYSKINESIA, PRIMARY, 7, WITH OR WITHOUT SITUS INVERSUS. Identifiers: Orphanet 244, MedGen C2678473, MONDO:0012748, OMIM 611884.

Allele frequency attached by ClinVar (database versions not stated): gnomAD 0.00008; TOPMed 0.00008; gnomAD exomes 0.00012 and 0.00016; ExAC 0.00019.
gnomAD v4.1: 185 of 1,610,472 alleles (0.011%); highest among the groups gnomAD compares: Middle Eastern, 0.23%; 1 homozygote.

Submissions (8):

Labcorp Genetics (formerly Invitae), Labcorp
Classification: Likely benign for Primary ciliary dyskinesia. Last evaluated: 2026-01-12. Review status: criteria provided, single submitter. Criteria: Invitae Variant Classification Sherloc (09022015). Collection method: clinical testing. Allele origin: germline.

Mayo Clinic Laboratories, Mayo Clinic
Classification: Uncertain significance. Last evaluated: 2025-09-26. Review status: criteria provided, single submitter. Criteria: ACMG Guidelines, 2015. Collection method: clinical testing. Allele origin: germline. Observed: 1 variant allele.
Comment: BP4_moderate

CeGaT Center for Human Genetics Tuebingen
Classification: Likely benign. Last evaluated: 2025-06-01. Review status: criteria provided, single submitter. Criteria: CeGaT Center For Human Genetics Tuebingen Variant Classification Criteria Version 2. Collection method: clinical testing. Allele origin: germline. Affected: yes. Observed: 2 variant alleles.
Comment: DNAH11: BP4

PreventionGenetics, part of Exact Sciences
Classification: Uncertain significance for DNAH11-related condition. Last evaluated: 2025-01-06. Review status: criteria provided, single submitter. Criteria: ACMG Guidelines, 2015. Collection method: clinical testing. Allele origin: germline.
Comment: The DNAH11 c.3356G>A variant is predicted to result in the amino acid substitution p.Ser1119Asn. This variant was reported in a patient with primary ciliary dyskinesia, although pathogenicity was not established (Table S6, Boon et al 2014. PubMed ID: 24450482). This variant is reported in 0.038% of alleles in individuals of South Asian descent in gnomAD, including one homozygote. At this time, the clinical significance of this variant is uncertain due to the absence of conclusive functional and genetic evidence.

GeneDx
Classification: Uncertain significance. Last evaluated: 2022-03-04. Review status: criteria provided, single submitter. Criteria: GeneDx Variant Classification Process June 2021. Collection method: clinical testing. Allele origin: germline. Affected: yes.
Comment: Observed with two other variants in the DNAH11 gene in a patient with situs inversus in the published literature, but it is not known what combination of the variants occurred on the same (in cis) or on different (in trans) chromosomes (Boon et al., 2014); In silico analysis supports that this missense variant does not alter protein structure/function; This variant is associated with the following publications: (PMID: 34426522, 24450482)

Baylor Genetics
Classification: Uncertain significance for Primary ciliary dyskinesia 7. Last evaluated: 2019-09-06. Review status: criteria provided, single submitter. Criteria: ACMG Guidelines, 2015. Collection method: clinical testing. Allele origin: unknown. Affected: yes.
Comment: This variant was determined to be of uncertain significance according to ACMG Guidelines, 2015 [PMID:25741868].

Fulgent Genetics
Classification: Uncertain significance for Primary ciliary dyskinesia 7. Last evaluated: 2018-10-31. Review status: criteria provided, single submitter. Criteria: ACMG Guidelines, 2015. Collection method: clinical testing. Allele origin: unknown.

Ambry Genetics
Classification: Uncertain significance for Primary ciliary dyskinesia. Last evaluated: 2015-06-03. Review status: criteria provided, single submitter. Criteria: Ambry Variant Classification Scheme 2023. Collection method: clinical testing. Allele origin: germline.
Comment: The p.S1119N variant (also known as c.3356G>A), located in coding exon 17 of the DNAH11 gene, results from a G to A substitution at nucleotide position 3356. The serine at codon 1119 is replaced by asparagine, an amino acid with highly similar properties. One study reported this variant in a patient with PCD who also had two other alterations (p.F4266_N4267delinsIle and p.W1222R), further clinical information was not provided (Boon et al. Orphanet J Rare Dis. 2014;9:11). This variant was not reported in population based cohorts in the following databases: Database of Single Nucleotide Polymorphisms (dbSNP), NHLBI Exome Sequencing Project (ESP), and 1000 Genomes Project. In the ESP, this variant was not observed in 5966 samples (11932 alleles) with coverage at this position. This amino acid position is not well conserved in available vertebrate species. In addition, this alteration is predicted to be tolerated by in silico analysis. Since supporting evidence for this variant is limited at this time, the clinical significance of this variant remains unclear.

Literature cited by the submitters: PubMed 24450482 (cited by Mayo Clinic Laboratories, Mayo Clinic); PubMed 34426522 (cited by Mayo Clinic Laboratories, Mayo Clinic).